The following is an entry in ClinVar:

ClinVar aggregate classification (germline): Conflicting classifications of pathogenicity. Review status: criteria provided, conflicting classifications (1 of 4 stars). 2 submissions from 2 submitters: Uncertain significance (1); Likely benign (1). Last evaluated 2026-01-28.

Conditions:
MHC class II deficiency. Also called: BLS, TYPE II; Bare lymphocyte syndrome 2. Identifiers: Orphanet 572, MedGen C5447452, MONDO:0008855.

Allele frequency attached by ClinVar (database versions not stated): gnomAD exomes 0.00029; ExAC 0.00034; gnomAD 0.00146 and 0.00156; ESP Exome Variant Server 0.00154; 1000 Genomes Project 0.00160; 1000 Genomes Project 30x 0.00172; TOPMed 0.00181.
gnomAD v4.1: 372 of 1,614,186 alleles (0.023%); highest among the groups gnomAD compares: African/African-American, 0.43%; no homozygotes.

Submissions (2):

Labcorp Genetics (formerly Invitae), Labcorp
Classification: Likely benign for MHC class II deficiency. Last evaluated: 2026-01-28. Review status: criteria provided, single submitter. Criteria: Invitae Variant Classification Sherloc (09022015). Collection method: clinical testing. Allele origin: germline.

Center for Genomics, Ann and Robert H. Lurie Children's Hospital of Chicago
Classification: Uncertain significance for MHC class II deficiency 1. Last evaluated: 2021-03-30. Review status: criteria provided, single submitter. Criteria: ACMG Guidelines, 2015. Collection method: clinical testing. Allele origin: germline.
Comment: RFXANK NM_003721 exon 3 p.Ala32Val (c.95C>T):This variant has not been reported in the literature but is present in 99/20432 African alleles in the Genome Aggregation Database. Evolutionary conservation and computational predictive tools suggest that this variant may not impact the protein. In summary, data on this variant is insufficient for disease classification. Therefore, the clinical significance of this variant is uncertain.

NM_003721.4(RFXANK):c.95C>T (p.Ala32Val)

Gene: RFXANK (regulatory factor X associated ankyrin containing protein; plus strand). Cytogenetic location: 19p13.11.
Variant type: single nucleotide variant.
Coding change: c.95C>T on transcript NM_003721.4 (MANE Select); coding-DNA position 95, C replaced by T.
Protein change: p.Ala32Val; replaces alanine 32 with valine.
Molecular consequence: missense variant.
Genome position (GRCh38, 1-based): chr19:19,194,041, C>T. VCF-style: chr19-19194041-C-T. GRCh37 (hg19) VCF-style: chr19-19304850-C-T.
Other names: c.95C>T, p.Ala32Val (NM_001278727.2, NM_001278728.2, NM_001370233.1 and 6 more transcripts); short protein forms A32V.
Identifiers: ClinVar variation 538593 (VCV000538593.14), dbSNP rs114064359, ClinGen allele CA9322594.